The following is an entry in ClinVar:

ClinVar aggregate classification (germline): Benign/Likely benign. Review status: criteria provided, multiple submitters, no conflicts (2 of 4 stars). 7 submissions from 7 submitters: Benign (2); Likely benign (3). 2 of the submissions do not count toward it. Last evaluated 2026-08-01.

Conditions:
Deficiency of aromatic-L-amino-acid decarboxylase. Also called: DDC DEFICIENCY; DOPA DECARBOXYLASE DEFICIENCY; Aromatic L-Amino Acid Decarboxylase Deficiency; Aromatic amino acid decarboxylase deficiency; AADC DEFICIENCY. Identifiers: Orphanet 35708, MedGen C1291564, MONDO:0012084, OMIM 608643.

Allele frequency attached by ClinVar (database versions not stated): 1000 Genomes Project 0.00439; 1000 Genomes Project 30x 0.00547; ExAC 0.00560; gnomAD exomes 0.00631 and 0.00908; gnomAD 0.00642 and 0.00650; ESP Exome Variant Server 0.00684; TOPMed 0.00779.
gnomAD v4.1: 14,250 of 1,614,152 alleles (0.88%); highest among the groups gnomAD compares: Middle Eastern, 1.1%; 95 homozygotes.

Submissions (7):

CeGaT Center for Human Genetics Tuebingen
Classification: Benign. Last evaluated: 2026-08-01. Review status: criteria provided, single submitter. Criteria: CeGaT Center For Human Genetics Tuebingen Variant Classification Criteria Version 2. Collection method: clinical testing. Allele origin: germline. Affected: yes. Observed: 19 variant alleles.
Comment: DDC: BS1, BS2

Labcorp Genetics (formerly Invitae), Labcorp
Classification: Benign for Deficiency of aromatic-L-amino-acid decarboxylase. Last evaluated: 2026-02-03. Review status: criteria provided, single submitter. Criteria: Invitae Variant Classification Sherloc (09022015). Collection method: clinical testing. Allele origin: germline.

Genomic Medicine Center of Excellence, King Faisal Specialist Hospital and Research Centre
Classification: Likely benign. Last evaluated: 2025-08-18. Review status: criteria provided, single submitter. Criteria: ACMG Guidelines, 2015. Collection method: clinical testing. Allele origin: germline.

Illumina Laboratory Services, Illumina
Classification: Likely benign for Deficiency of aromatic-L-amino-acid decarboxylase. Last evaluated: 2018-01-13. Review status: criteria provided, single submitter. Criteria: ICSL Variant Classification Criteria 13 December 2019. Collection method: clinical testing. Allele origin: germline.
Comment: This variant was observed in the ICSL laboratory as part of a predisposition screen in an ostensibly healthy population. It had not been previously curated by ICSL or reported in the Human Gene Mutation Database (HGMD: prior to June 1st, 2018), and was therefore a candidate for classification through an automated scoring system. Utilizing variant allele frequency, disease prevalence and penetrance estimates, and inheritance mode, an automated score was calculated to assess if this variant is too frequent to cause the disease. Based on the score and internal cut-off values, a variant classified as likely benign is not then subjected to further curation. The score for this variant resulted in a classification of likely benign for this disease.

Breakthrough Genomics
Classification: Likely benign. Review status: criteria provided, single submitter. Criteria: ACMG Guidelines, 2015. Collection method: not provided. Allele origin: germline. Inheritance: Autosomal recessive inheritance. Affected: yes.

Clinical Genetics, Academic Medical Center
Classification: Benign. Review status: no assertion criteria provided. Collection method: clinical testing. Allele origin: germline. Affected: yes. Study: VKGL Data-share Consensus. Not counted in ClinVar's aggregate classification.

Diagnostic Laboratory, Department of Genetics, University Medical Center Groningen
Classification: Likely benign for Deficiency of aromatic-L-amino-acid decarboxylase. Review status: no assertion criteria provided. Collection method: clinical testing. Allele origin: germline. Affected: yes. Study: VKGL Data-share Consensus. Not counted in ClinVar's aggregate classification.

NM_001082971.2(DDC):c.436-12T>C

Gene: DDC (dopa decarboxylase; minus strand). Cytogenetic location: 7p12.1.
Variant type: single nucleotide variant.
Coding change: c.436-12T>C on transcript NM_001082971.2 (MANE Select); 12 bases into the intron before coding-DNA position 436, T replaced by C.
Molecular consequence: intron variant.
Genome position (GRCh38, 1-based): chr7:50,529,354, A>G on the plus strand (T>C on the coding strand, the complement: DDC is on the minus strand). VCF-style: chr7-50529354-A-G. GRCh37 (hg19) VCF-style: chr7-50597052-A-G.
Other names: c.202-12T>C (NM_001242888.2); c.322-12T>C (NM_001242886.2); c.435+8506T>C (NM_001242889.2); c.436-12T>C (NM_001242887.2, NM_000790.4, NM_001242890.2).
Identifiers: ClinVar variation 518386 (VCV000518386.44), dbSNP rs144962948, ClinGen allele CA4262367.